The following is an entry in ClinVar:

ClinVar aggregate classification (germline): Pathogenic. Review status: criteria provided, multiple submitters, no conflicts (2 of 4 stars). 2 submissions from 2 submitters: Pathogenic (2). Last evaluated 2024-06-11.

Conditions:
Cranioectodermal dysplasia 1 (CED1). Also called: LEVIN SYNDROME I. Identifiers: Orphanet 1515, MedGen C0432235, MONDO:0021093, OMIM 218330.

Allele frequency attached by ClinVar (database versions not stated): ExAC 0.00001.
gnomAD v4.1: 6 of 1,614,174 alleles (0.00037%); highest among the groups gnomAD compares: Non-Finnish European, 0.00042%; no homozygotes.

Submissions (2):

Women's Health and Genetics/Laboratory Corporation of America, LabCorp
Classification: Pathogenic for Cranioectodermal dysplasia 1. Last evaluated: 2024-06-11. Review status: criteria provided, single submitter. Criteria: LabCorp Variant Classification Summary - May 2015. Collection method: clinical testing. Allele origin: germline.
Comment: Variant summary: IFT122 c.3166C>T (p.Gln1056X) results in a premature termination codon, predicted to cause a truncation of the encoded protein or absence of the protein due to nonsense mediated decay, which are commonly known mechanisms for disease. The variant allele was found at a frequency of 1.2e-05 in 251174 control chromosomes. To our knowledge, no occurrence of c.3166C>T in individuals affected with Cranioectodermal Dysplasia 1 and no experimental evidence demonstrating its impact on protein function have been reported. ClinVar contains an entry for this variant (Variation ID: 1933293). Based on the evidence outlined above, the variant was classified as pathogenic.

Labcorp Genetics (formerly Invitae), Labcorp
Classification: Pathogenic for Cranioectodermal dysplasia 1. Last evaluated: 2023-11-27. Review status: criteria provided, single submitter. Criteria: Invitae Variant Classification Sherloc (09022015). Collection method: clinical testing. Allele origin: germline.
Comment: This sequence change creates a premature translational stop signal (p.Gln1056*) in the IFT122 gene. It is expected to result in an absent or disrupted protein product. Loss-of-function variants in IFT122 are known to be pathogenic (PMID: 20493458, 23826986, 26792575). This variant is present in population databases (rs746129224, gnomAD 0.002%). This variant has not been reported in the literature in individuals affected with IFT122-related conditions. ClinVar contains an entry for this variant (Variation ID: 1933293). For these reasons, this variant has been classified as Pathogenic.

Literature cited by the submitters: PubMed 20493458 (cited by Labcorp Genetics (formerly Invitae), Labcorp); PubMed 23826986 (cited by Labcorp Genetics (formerly Invitae), Labcorp); PubMed 26792575 (cited by Labcorp Genetics (formerly Invitae), Labcorp).

NM_052989.3(IFT122):c.3013C>T (p.Gln1005Ter)

Gene: IFT122 (intraflagellar transport 122; plus strand). Cytogenetic location: 3q22.1.
Variant type: single nucleotide variant.
Coding change: c.3013C>T on transcript NM_052989.3 (MANE Select); coding-DNA position 3013, C replaced by T.
Protein change: p.Gln1005Ter; replaces glutamine 1005 with a stop codon.
Molecular consequence: nonsense.
Genome position (GRCh38, 1-based): chr3:129,514,414, C>T. VCF-style: chr3-129514414-C-T. GRCh37 (hg19) VCF-style: chr3-129233257-C-T.
Other names: c.2992C>T, p.Gln998Ter (NM_001280541.2); c.2563C>T, p.Gln855Ter (NM_001280545.2); c.2386C>T, p.Gln796Ter (NM_001280546.2); c.3016C>T, p.Gln1006Ter (NM_001410808.1); c.2959C>T, p.Gln987Ter (NM_001410809.1); c.2839C>T, p.Gln947Ter (NM_001410810.1); c.2785C>T, p.Gln929Ter (NM_001410811.1); c.2782C>T, p.Gln928Ter (NM_001410813.1); and 5 more; short protein forms Q895*, Q929*, Q946*, Q987*, Q1006*, Q1056*, Q928*, Q998*.
Identifiers: ClinVar variation 1933293 (VCV001933293.6), dbSNP rs746129224, ClinGen allele CA2606752.